The following is an entry in ClinVar:

NM_001349206.2(LPIN1):c.1157C>A (p.Thr386Asn)

Gene: LPIN1 (lipin 1; plus strand). Cytogenetic location: 2p25.1.
Variant type: single nucleotide variant.
Coding change: c.1157C>A on transcript NM_001349206.2 (MANE Select); coding-DNA position 1157, C replaced by A.
Protein change: p.Thr386Asn; replaces threonine 386 with asparagine.
Molecular consequence: missense variant. On other transcripts: non-coding transcript variant (1).
Genome position (GRCh38, 1-based): chr2:11,782,400, C>A. VCF-style: chr2-11782400-C-A. GRCh37 (hg19) VCF-style: chr2-11922526-C-A.
Other names: c.1067C>A, p.Thr356Asn (NM_001261427.3); c.1304C>A, p.Thr435Asn (NM_001261428.3); c.1049C>A, p.Thr350Asn (NM_001349199.2, NM_001349200.2, NM_001349201.2 and 1 more transcripts); c.1154C>A, p.Thr385Asn (NM_001349202.2, NM_001349203.2); c.1157C>A, p.Thr386Asn (NM_001349204.2, NM_001349205.2); c.1247C>A, p.Thr416Asn (NM_001349207.2); c.1196C>A, p.Thr399Asn (NM_001349208.2); c.1049C>A (NM_145693.2); short protein forms T385N, T399N, T416N, T435N, T356N, T386N, T350N.
Identifiers: ClinVar variation 4099230 (VCV004099230.2).

ClinVar aggregate classification (germline): Uncertain significance. Review status: criteria provided, multiple submitters, no conflicts (2 of 4 stars). 2 submissions from 2 submitters: Uncertain significance (2). Last evaluated 2025-08-21.

Conditions:
LPIN1-related disorder. Also called: LPIN1-related condition.
Inborn genetic diseases. Identifiers: MedGen C0950123, MeSH D030342.

gnomAD v4.1: 20 of 1,614,190 alleles (0.0012%); highest among the groups gnomAD compares: Non-Finnish European, 0.0015%; no homozygotes.

Submissions (2):

Ambry Genetics
Classification: Uncertain significance for Inborn genetic diseases. Last evaluated: 2025-08-21. Review status: criteria provided, single submitter. Criteria: Ambry Variant Classification Scheme 2023. Collection method: clinical testing. Allele origin: germline.

PreventionGenetics, part of Exact Sciences
Classification: Uncertain significance for LPIN1-related condition. Last evaluated: 2025-05-05. Review status: criteria provided, single submitter. Criteria: ACMG Guidelines, 2015. Collection method: clinical testing. Allele origin: germline.
Comment: The LPIN1 c.1049C>A variant is predicted to result in the amino acid substitution p.Thr350Asn. To our knowledge, this variant has not been reported in the literature. This variant is reported in 0.0018% of alleles in individuals of European (Non-Finnish) descent in gnomAD. At this time, the clinical significance of this variant is uncertain due to the absence of conclusive functional and genetic evidence.